The following is an entry in ClinVar:

NM_005462.5(MAGEC1):c.2519C>T (p.Ser840Leu)

Gene: MAGEC1 (MAGE family member C1; plus strand). Cytogenetic location: Xq27.2.
Variant type: single nucleotide variant.
Coding change: c.2519C>T on transcript NM_005462.5 (MANE Select); coding-DNA position 2519, C replaced by T.
Protein change: p.Ser840Leu; replaces serine 840 with leucine.
Molecular consequence: missense variant.
Genome position (GRCh38, 1-based): chrX:141,907,923, C>T. VCF-style: chrX-141907923-C-T. GRCh37 (hg19) VCF-style: chrX-140995709-C-T.
Other names: short protein forms S840L.
Identifiers: ClinVar variation 4084167 (VCV004084167.8).

ClinVar aggregate classification (germline): Likely benign (1 of 4 stars; one submission).

gnomAD v4.1: 171 of 1,207,723 alleles (0.014%); highest among the groups gnomAD compares: Middle Eastern, 0.23%; no homozygotes.

Submission:

CeGaT Center for Human Genetics Tuebingen
Classification: Likely benign. Last evaluated: 2025-06-01. Review status: criteria provided, single submitter. Criteria: CeGaT Center For Human Genetics Tuebingen Variant Classification Criteria Version 2. Collection method: clinical testing. Allele origin: germline. Affected: yes. Observed: 1 variant allele.
Comment: MAGEC1: BP4, BS2